The following is an entry in ClinVar:

NM_001105206.3(LAMA4):c.4253A>G (p.Asn1418Ser)

Gene: LAMA4 (laminin subunit alpha 4; minus strand). Cytogenetic location: 6q21.
Variant type: single nucleotide variant.
Coding change: c.4253A>G on transcript NM_001105206.3 (MANE Select); coding-DNA position 4253, A replaced by G.
Protein change: p.Asn1418Ser; replaces asparagine 1418 with serine.
Molecular consequence: missense variant.
Genome position (GRCh38, 1-based): chr6:112,128,956, T>C on the plus strand (A>G on the coding strand, the complement: LAMA4 is on the minus strand). VCF-style: chr6-112128956-T-C. GRCh37 (hg19) VCF-style: chr6-112450158-T-C.
Other names: c.4232A>G, p.Asn1411Ser (NM_001105207.3, NM_002290.5); short protein forms N1411S, N1418S.
Identifiers: ClinVar variation 2120112 (VCV002120112.4), dbSNP rs1778861270, ClinGen allele CA365372023.

ClinVar aggregate classification (germline): Uncertain significance (1 of 4 stars; one submission).

Conditions:
Dilated cardiomyopathy 1JJ (CMD1JJ). Identifiers: Orphanet 154, MedGen C3808935, MONDO:0014095, OMIM 615235.

Allele frequency attached by ClinVar (database versions not stated): gnomAD exomes below 0.00001.
gnomAD v4.1: 1 of 1,613,330 alleles (0.000062%); highest among the groups gnomAD compares: South Asian, 0.0011%; no homozygotes.

Submission:

Labcorp Genetics (formerly Invitae), Labcorp
Classification: Uncertain significance for Dilated cardiomyopathy 1JJ. Last evaluated: 2022-04-01. Review status: criteria provided, single submitter. Criteria: Invitae Variant Classification Sherloc (09022015). Collection method: clinical testing. Allele origin: germline.
Comment: This sequence change replaces asparagine, which is neutral and polar, with serine, which is neutral and polar, at codon 1411 of the LAMA4 protein (p.Asn1411Ser). This variant is not present in population databases (gnomAD no frequency). This variant has not been reported in the literature in individuals affected with LAMA4-related conditions. Algorithms developed to predict the effect of missense changes on protein structure and function are either unavailable or do not agree on the potential impact of this missense change (SIFT: "Deleterious"; PolyPhen-2: "Probably Damaging"; Align-GVGD: "Class C0"). In summary, the available evidence is currently insufficient to determine the role of this variant in disease. Therefore, it has been classified as a Variant of Uncertain Significance.